The following is an entry in ClinVar:

ClinVar aggregate classification (germline): Likely benign. Review status: criteria provided, multiple submitters, no conflicts (2 of 4 stars). 2 submissions from 2 submitters: Likely benign (2). Last evaluated 2025-08-18.

Allele frequency attached by ClinVar (database versions not stated): ExAC 0.00001; gnomAD 0.00001; gnomAD exomes 0.00001; TOPMed 0.00002.
gnomAD v4.1: 15 of 1,565,518 alleles (0.00096%); highest among the groups gnomAD compares: African/African-American, 0.0028%; no homozygotes.

Submissions (2):

Labcorp Genetics (formerly Invitae), Labcorp
Classification: Likely benign. Last evaluated: 2025-08-18. Review status: criteria provided, single submitter. Criteria: Invitae Variant Classification Sherloc (09022015). Collection method: clinical testing. Allele origin: germline.

CeGaT Center for Human Genetics Tuebingen
Classification: Likely benign. Last evaluated: 2025-05-01. Review status: criteria provided, single submitter. Criteria: CeGaT Center For Human Genetics Tuebingen Variant Classification Criteria Version 2. Collection method: clinical testing. Allele origin: germline. Affected: yes. Observed: 1 variant allele.
Comment: PCYT1A: BP4, BP7

NM_001312673.2(PCYT1A):c.960C>T (p.Pro320=)

Gene: PCYT1A (phosphate cytidylyltransferase 1A, choline; minus strand). Cytogenetic location: 3q29.
Variant type: single nucleotide variant.
Coding change: c.960C>T on transcript NM_001312673.2 (MANE Select); coding-DNA position 960, C replaced by T.
Protein change: p.Pro320=; no amino-acid change (proline 320 retained).
Molecular consequence: synonymous variant.
Genome position (GRCh38, 1-based): chr3:196,238,832, G>A on the plus strand (C>T on the coding strand, the complement: PCYT1A is on the minus strand). VCF-style: chr3-196238832-G-A. GRCh37 (hg19) VCF-style: chr3-195965703-G-A.
Other names: c.960C>T, p.Pro320= (NM_005017.4).
Identifiers: ClinVar variation 2974568 (VCV002974568.13), dbSNP rs755592504, ClinGen allele CA2779382.